The following is an entry in ClinVar:

ClinVar aggregate classification (germline): Uncertain significance (1 of 4 stars; one submission).

Conditions:
Hermansky-Pudlak syndrome 3 (HPS3). Identifiers: Orphanet 231512, Orphanet 79430, MedGen C3888001, MONDO:0013555, OMIM 614072.

Submission:

Myriad Genetics, Inc.
Classification: Uncertain significance for Hermansky-Pudlak syndrome 3. Last evaluated: 2026-09-02. Review status: criteria provided, single submitter. Criteria: Myriad Autosomal Dominant, Autosomal Recessive and X-Linked Classification Criteria (2023). Collection method: clinical testing. Allele origin: unknown.
Comment: NM_032383.3(HPS3):c.710_712delAAG(E237del) is an in-frame deletion classified as a variant of uncertain significance in the context of Hermansky-Pudlak syndrome, HPS3-related. E237del has not been observed in cases with relevant disease. Relevant functional assessments of this variant are not available in the literature. E237del has been observed in referenced population frequency databases. In summary, there is insufficient evidence to classify NM_032383.3(HPS3):c.710_712delAAG(E237del) as pathogenic or benign. Please note: this variant was assessed in the context of healthy population screening.

NM_032383.5(HPS3):c.707AAG[1] (p.Glu237del)

Gene: HPS3 (HPS3 biogenesis of lysosomal organelles complex 2 subunit 1; plus strand). Cytogenetic location: 3q24.
Variant type: Microsatellite.
Coding change: c.707AAG[1] on transcript NM_032383.5 (MANE Select); one copy of the 3-base unit AAG starting at c.707; the reference has two copies in a row; one copy, 3 bases deleted.
Protein change: p.Glu237del; deletes glutamic acid 237.
Molecular consequence: inframe deletion. On other transcripts: intron variant (1).
Genome position (GRCh38, 1-based): chr3:149,140,496-149,140,498, AAG deleted; deleting any 3 consecutive bases within chr3:149,140,491-149,140,498 gives the same sequence; the position shown is the placement nearest the transcript's 3' end. VCF-style (leftmost placement, unchanged base first): chr3-149140490-CAGA-C. GRCh37 (hg19) VCF-style: chr3-148858277-CAGA-C.
Other names: c.218-521_218-519del (NM_001308258.2); short protein forms E237del.
Identifiers: ClinVar variation 5003433 (VCV005003433.1).